The following is an entry in ClinVar:

ClinVar aggregate classification (germline): Uncertain significance (1 of 4 stars; one submission).

Conditions:
Hereditary breast ovarian cancer syndrome. Also called: BRCA1- and BRCA2-Associated Hereditary Breast and Ovarian Cancer; Hereditary breast and/or ovarian cancer syndrome; Hereditary breast and ovarian cancer syndrome; Hereditary breast and ovarian cancer; Hereditary breast and ovarian cancer syndrome (HBOC); Breast and ovarian cancer. Identifiers: Orphanet 145, MedGen C0677776, MeSH D061325, MONDO:0003582. Disease mechanism: loss of function.

Allele frequency attached by ClinVar (database versions not stated): gnomAD exomes below 0.00001 and 0.00001; ExAC 0.00001.
gnomAD v4.1: 2 of 1,613,942 alleles (0.00012%); highest among the groups gnomAD compares: Admixed American, 0.0033%; no homozygotes.

Submission:

Labcorp Genetics (formerly Invitae), Labcorp
Classification: Uncertain significance for Hereditary breast ovarian cancer syndrome. Last evaluated: 2020-09-15. Review status: criteria provided, single submitter. Criteria: Invitae Variant Classification Sherloc (09022015). Collection method: clinical testing. Allele origin: germline.
Comment: In summary, the available evidence is currently insufficient to determine the role of this variant in disease. Therefore, it has been classified as a Variant of Uncertain Significance. Algorithms developed to predict the effect of sequence changes on RNA splicing suggest that this variant may create or strengthen a splice site, but this prediction has not been confirmed by published transcriptional studies. Advanced modeling of protein sequence and biophysical properties (such as structural, functional, and spatial information, amino acid conservation, physicochemical variation, residue mobility, and thermodynamic stability) performed at Invitae indicates that this missense variant is not expected to disrupt BRCA2 protein function. This variant has not been reported in the literature in individuals with BRCA2-related conditions. This variant is present in population databases (rs755075283, ExAC 0.009%). This sequence change replaces lysine with arginine at codon 2939 of the BRCA2 protein (p.Lys2939Arg). The lysine residue is highly conserved and there is a small physicochemical difference between lysine and arginine.

NM_000059.4(BRCA2):c.8816A>G (p.Lys2939Arg)

Gene: BRCA2 (BRCA2 DNA repair associated; plus strand). Cytogenetic location: 13q13.1.
Variant type: single nucleotide variant.
Coding change: c.8816A>G on transcript NM_000059.4 (MANE Select); coding-DNA position 8816, A replaced by G.
Protein change: p.Lys2939Arg; replaces lysine 2939 with arginine.
Molecular consequence: missense variant.
Genome position (GRCh38, 1-based): chr13:32,379,378, A>G. VCF-style: chr13-32379378-A-G. GRCh37 (hg19) VCF-style: chr13-32953515-A-G.
Other names: short protein forms K2939R.
Identifiers: ClinVar variation 1018431 (VCV001018431.9), dbSNP rs755075283, ClinGen allele CA6941302.